The following is an entry in ClinVar:

ClinVar aggregate classification (germline): Uncertain significance (1 of 4 stars; one submission).

Conditions:
Neurofibromatosis, type 1 (NF1). Also called: Peripheral type neurofibromatosis; Neurofibromatosis, type I; NEUROFIBROMATOSIS, TYPE I, SOMATIC; VON RECKLINGHAUSEN DISEASE. Identifiers: Orphanet 636, MedGen C0027831, MONDO:0018975, OMIM 162200. Disease mechanism: loss of function.

Submission:

Labcorp Genetics (formerly Invitae), Labcorp
Classification: Uncertain significance for Neurofibromatosis, type 1. Last evaluated: 2021-08-03. Review status: criteria provided, single submitter. Criteria: Invitae Variant Classification Sherloc (09022015). Collection method: clinical testing. Allele origin: germline.
Comment: This sequence change replaces threonine with isoleucine at codon 1245 of the NF1 protein (p.Thr1245Ile). The threonine residue is highly conserved and there is a moderate physicochemical difference between threonine and isoleucine. The frequency data for this variant in the population databases is not available, as this variant may be reported as separate entries in the ExAC database. This variant has not been reported in the literature in individuals affected with NF1-related conditions. Experimental studies and prediction algorithms are not available or were not evaluated, and the functional significance of this variant is currently unknown. In summary, the available evidence is currently insufficient to determine the role of this variant in disease. Therefore, it has been classified as a Variant of Uncertain Significance.

NM_001042492.3(NF1):c.3734_3735delinsTC (p.Thr1245Ile)

Gene: NF1 (neurofibromin 1; plus strand). Cytogenetic location: 17q11.2.
Variant type: Indel.
Coding change: c.3734_3735delinsTC on transcript NM_001042492.3 (MANE Select); coding-DNA positions 3734 to 3735, CT replaced by TC.
Protein change: p.Thr1245Ile; replaces threonine 1245 with isoleucine.
Molecular consequence: missense variant.
Genome position (GRCh38, 1-based): chr17:31,235,636-31,235,637, CT replaced by TC. VCF-style: chr17-31235636-CT-TC. GRCh37 (hg19) VCF-style: chr17-29562654-CT-TC.
Other names: c.3734_3735delCTinsTC, p.Thr1245Ile (NM_000267.4); short protein forms T1245I.
Identifiers: ClinVar variation 1372131 (VCV001372131.6), dbSNP rs2151437761, ClinGen allele CA2573153375.
Genomic context (GRCh38, chr17:31,235,636, plus strand): 5'-TTGTTTGCACTAACCTGATTTTGTTTTGTTCTCAGGATGAACTAGCTCGAGTTCTGGTTA[CT>TC]CTGTTTGATTCTCGGCATTTACTCTACCAACTGCTCTGGAACATGTTTTCTAAAGAAGTA-3'
Protein context (NP_001035957.1, residues 1235-1255): QWDELARVLV[Thr1245Ile]LFDSRHLLYQ